The following is an entry in ClinVar:

NM_182943.3(PLOD2):c.853G>A (p.Asp285Asn)

Gene: PLOD2 (procollagen-lysine,2-oxoglutarate 5-dioxygenase 2; minus strand). Cytogenetic location: 3q24.
Variant type: single nucleotide variant.
Coding change: c.853G>A on transcript NM_182943.3 (MANE Select); coding-DNA position 853, G replaced by A.
Protein change: p.Asp285Asn; replaces aspartic acid 285 with asparagine.
Molecular consequence: missense variant.
Genome position (GRCh38, 1-based): chr3:146,091,826, C>T on the plus strand (G>A on the coding strand, the complement: PLOD2 is on the minus strand). VCF-style: chr3-146091826-C-T. GRCh37 (hg19) VCF-style: chr3-145809613-C-T.
Other names: c.853G>A, p.Asp285Asn (NM_000935.3); short protein forms D285N.
Identifiers: ClinVar variation 1448399 (VCV001448399.6), dbSNP rs141419117, ClinGen allele CA2655107.

ClinVar aggregate classification (germline): Uncertain significance (1 of 4 stars; one submission).

Allele frequency attached by ClinVar (database versions not stated): gnomAD 0.00005; TOPMed 0.00007; ESP Exome Variant Server 0.00015.
gnomAD v4.1: 71 of 1,601,198 alleles (0.0044%); highest among the groups gnomAD compares: African/African-American, 0.013%; no homozygotes.

Submission:

Labcorp Genetics (formerly Invitae), Labcorp
Classification: Uncertain significance. Last evaluated: 2022-06-20. Review status: criteria provided, single submitter. Criteria: Invitae Variant Classification Sherloc (09022015). Collection method: clinical testing. Allele origin: germline.
Comment: This sequence change replaces aspartic acid, which is acidic and polar, with asparagine, which is neutral and polar, at codon 285 of the PLOD2 protein (p.Asp285Asn). This variant is present in population databases (rs141419117, gnomAD 0.01%). This variant has not been reported in the literature in individuals affected with PLOD2-related conditions. Algorithms developed to predict the effect of missense changes on protein structure and function output the following: SIFT: "Tolerated"; PolyPhen-2: "Benign"; Align-GVGD: "Class C0". The asparagine amino acid residue is found in multiple mammalian species, which suggests that this missense change does not adversely affect protein function. In summary, the available evidence is currently insufficient to determine the role of this variant in disease. Therefore, it has been classified as a Variant of Uncertain Significance.